The following is an entry in ClinVar:

ClinVar aggregate classification (germline): Uncertain significance (1 of 4 stars; one submission).

Submission:

GeneDx
Classification: Uncertain significance. Last evaluated: 2026-02-04. Review status: criteria provided, single submitter. Criteria: GeneDx Variant Classification Process June 2021. Collection method: clinical testing. Allele origin: germline.
Comment: Frameshift variant predicted to result in abnormal protein length as the last 111 amino acid(s) are replaced with 54 different amino acid(s); Not observed at significant frequency in large population cohorts (gnomAD); Has not been previously published as pathogenic or benign to our knowledge

NM_014712.3(SETD1A):c.4789_4790del (p.Tyr1597fs)

Gene: SETD1A (SET domain containing 1A, histone lysine methyltransferase; plus strand). Cytogenetic location: 16p11.2.
Variant type: Deletion.
Coding change: c.4789_4790del on transcript NM_014712.3 (MANE Select); coding-DNA positions 4789 to 4790, 2 bases deleted (TA; older notation c.4789_4790delTA).
Protein change: p.Tyr1597fs; shifts the reading frame from tyrosine 1597.
Molecular consequence: frameshift variant.
Genome position (GRCh38, 1-based): chr16:30,981,157-30,981,158, TA deleted; deleting any 2 consecutive bases within chr16:30,981,156-30,981,158 gives the same sequence; the c. name uses the placement nearest the transcript's 3' end. VCF-style (leftmost placement, unchanged base first): chr16-30981155-AAT-A. GRCh37 (hg19) VCF-style: chr16-30992476-AAT-A.
Other names: short protein forms Y1597fs.
Identifiers: ClinVar variation 4976247 (VCV004976247.1).